The following is an entry in ClinVar:

NM_006767.4(LZTR1):c.1449+1G>C

Gene: LZTR1 (leucine zipper like post translational regulator 1; plus strand). Cytogenetic location: 22q11.21.
Variant type: single nucleotide variant.
Coding change: c.1449+1G>C on transcript NM_006767.4 (MANE Select); the canonical splice donor site of the intron after coding-DNA position 1449, G replaced by C.
Molecular consequence: splice donor variant.
Genome position (GRCh38, 1-based): chr22:20,994,020, G>C. VCF-style: chr22-20994020-G-C. GRCh37 (hg19) VCF-style: chr22-21348309-G-C.
Identifiers: ClinVar variation 1772845 (VCV001772845.3), dbSNP rs758122659, ClinGen allele CA410775388.

ClinVar aggregate classification (germline): Likely pathogenic (1 of 4 stars; one submission).

Conditions:
Cardiovascular phenotype. Identifiers: MedGen CN230736.
Hereditary cancer-predisposing syndrome. Also called: Hereditary Cancer Syndrome; Hereditary neoplastic syndrome; Neoplastic Syndromes, Hereditary; Tumor predisposition. Identifiers: Orphanet 140162, MedGen C0027672, MeSH D009386, MONDO:0015356.

gnomAD v4.1: 1 of 1,605,640 alleles (0.000062%); highest among the groups gnomAD compares: Non-Finnish European, 0.000085%; no homozygotes.

Submission:

Ambry Genetics
Classification: Likely pathogenic for Cardiovascular phenotype; Hereditary cancer-predisposing syndrome. Last evaluated: 2026-07-23. Review status: criteria provided, single submitter. Criteria: Ambry Variant Classification Scheme 2023. Collection method: clinical testing. Allele origin: germline.
Comment: The c.1449+1G>C intronic variant results from a G to C substitution one nucleotide after coding exon 13 of the LZTR1 gene. Alterations that disrupt the canonical splice site are expected to result in aberrant splicing. In silico splice site analysis predicts that this alteration will weaken the native splice donor site and will result in the creation or strengthening of a novel splice donor site. The resulting transcript is predicted to be in-frame and is not expected to trigger nonsense-mediated mRNA decay; however, direct evidence is insufficient at this time (Ambry internal data). The exact functional effect of the missing amino acids is unknown; however, the impacted region is critical for protein function (Ambry internal data). This variant is considered to be rare based on population cohorts in the Genome Aggregation Database (gnomAD). This nucleotide position is highly conserved in available vertebrate species. Loss-of-function variants in LZTR1 are related to an increased risk for schwannomas and autosomal recessive Noonan syndrome; however, such associations with autosomal dominant Noonan syndrome have not been observed (Piotrowski A et al. Nat Genet. 2014 Feb;46:182-7; Yamamoto GL et al. J Med Genet. 2015 Jun;52:413-21; Johnston JJ et al. Genet Med. 2018 10;20:1175-1185). Based on the supporting evidence, this variant is likely pathogenic for an increased risk of LZTR1-related schwannomatosis (SWN) and would be expected to cause autosomal recessive Noonan syndrome when present along with a second pathogenic or likely pathogenic variant on the other allele; however, the association of this alteration with autosomal dominant Noonan syndrome is unlikely.